The following is an entry in ClinVar:

NM_001122764.3(PPOX):c.784C>T (p.Leu262Phe)

Gene: PPOX (protoporphyrinogen oxidase; plus strand). Cytogenetic location: 1q23.3.
Variant type: single nucleotide variant.
Coding change: c.784C>T on transcript NM_001122764.3 (MANE Select); coding-DNA position 784, C replaced by T.
Protein change: p.Leu262Phe; replaces leucine 262 with phenylalanine.
Molecular consequence: missense variant.
Genome position (GRCh38, 1-based): chr1:161,169,160, C>T. VCF-style: chr1-161169160-C-T. GRCh37 (hg19) VCF-style: chr1-161138950-C-T.
Other names: p.Leu262Phe; c.784C>T, p.Leu262Phe (NM_000309.5, NM_001365398.1, NM_001365399.1); c.685C>T, p.Leu229Phe (NM_001350128.2); c.376C>T, p.Leu126Phe (NM_001350129.2, NM_001365400.1); c.298C>T, p.Leu100Phe (NM_001350130.2, NM_001350131.2, NM_001365401.1); short protein forms L100F, L126F, L229F, L262F.
Identifiers: ClinVar variation 3380133 (VCV003380133.1).

ClinVar aggregate classification (germline): Uncertain significance (1 of 4 stars; one submission).

Submission:

Mayo Clinic Laboratories, Mayo Clinic
Classification: Uncertain significance. Last evaluated: 2024-04-05. Review status: criteria provided, single submitter. Criteria: ACMG Guidelines, 2015. Collection method: clinical testing. Allele origin: germline. Observed: 1 variant allele.
Comment: BP4